The following is an entry in ClinVar:

ClinVar aggregate classification (germline): Uncertain significance (1 of 4 stars; one submission).

Conditions:
Werner syndrome (WRN). Identifiers: Orphanet 902, MedGen C0043119, MONDO:0010196, OMIM 277700.

Allele frequency attached by ClinVar (database versions not stated): gnomAD exomes below 0.00001; ExAC 0.00001.
gnomAD v4.1: 1 of 1,609,748 alleles (0.000062%); highest among the groups gnomAD compares: Non-Finnish European, 0.000085%; no homozygotes.

Submission:

Labcorp Genetics (formerly Invitae), Labcorp
Classification: Uncertain significance for Werner syndrome. Last evaluated: 2020-11-06. Review status: criteria provided, single submitter. Criteria: Invitae Variant Classification Sherloc (09022015). Collection method: clinical testing. Allele origin: germline.
Comment: In summary, the available evidence is currently insufficient to determine the role of this variant in disease. Therefore, it has been classified as a Variant of Uncertain Significance. Algorithms developed to predict the effect of missense changes on protein structure and function output the following: SIFT: "Not Available"; PolyPhen-2: "Benign"; Align-GVGD: "Not Available". The serine amino acid residue is found in multiple mammalian species, suggesting that this missense change does not adversely affect protein function. These predictions have not been confirmed by published functional studies and their clinical significance is uncertain. This variant has not been reported in the literature in individuals with WRN-related conditions. This variant is present in population databases (rs751513363, ExAC 0.002%). This sequence change replaces arginine with serine at codon 907 of the WRN protein (p.Arg907Ser). The arginine residue is weakly conserved and there is a moderate physicochemical difference between arginine and serine.

NM_000553.6(WRN):c.2721A>T (p.Arg907Ser)

Gene: WRN (WRN RecQ like helicase; plus strand). Cytogenetic location: 8p12.
Variant type: single nucleotide variant.
Coding change: c.2721A>T on transcript NM_000553.6 (MANE Select); coding-DNA position 2721, A replaced by T.
Protein change: p.Arg907Ser; replaces arginine 907 with serine.
Molecular consequence: missense variant.
Genome position (GRCh38, 1-based): chr8:31,124,612, A>T. VCF-style: chr8-31124612-A-T. GRCh37 (hg19) VCF-style: chr8-30982128-A-T.
Other names: short protein forms R907S.
Identifiers: ClinVar variation 1497363 (VCV001497363.6), dbSNP rs751513363, ClinGen allele CA4704821.